The following is an entry in ClinVar:

NM_001367479.1(DNAH14):c.12478G>A (p.Glu4160Lys)

Gene: DNAH14 (dynein axonemal heavy chain 14; plus strand). Cytogenetic location: 1q42.12.
Variant type: single nucleotide variant.
Coding change: c.12478G>A on transcript NM_001367479.1 (MANE Select); coding-DNA position 12478, G replaced by A.
Protein change: p.Glu4160Lys; replaces glutamic acid 4160 with lysine.
Molecular consequence: missense variant.
Genome position (GRCh38, 1-based): chr1:225,374,847, G>A. VCF-style: chr1-225374847-G-A. GRCh37 (hg19) VCF-style: chr1-225562549-G-A.
Other names: short protein forms E4160K.
Identifiers: ClinVar variation 2639954 (VCV002639954.24), dbSNP rs995740765, ClinGen allele CA38516721.

ClinVar aggregate classification (germline): Likely benign (1 of 4 stars; one submission).

Allele frequency attached by ClinVar (database versions not stated): gnomAD 0.00001; TOPMed 0.00002.
gnomAD v4.1: 18 of 1,551,000 alleles (0.0012%); highest among the groups gnomAD compares: Non-Finnish European, 0.0013%; no homozygotes.

Submission:

CeGaT Center for Human Genetics Tuebingen
Classification: Likely benign. Last evaluated: 2022-12-01. Review status: criteria provided, single submitter. Criteria: CeGaT Center For Human Genetics Tuebingen Variant Classification Criteria Version 2. Collection method: clinical testing. Allele origin: germline. Affected: yes. Observed: 1 variant allele.
Comment: DNAH14: BP4